The following is an entry in ClinVar:

ClinVar aggregate classification (germline): Likely benign (1 of 4 stars; one submission).

Allele frequency attached by ClinVar (database versions not stated): gnomAD exomes below 0.00001; ExAC 0.00001.
gnomAD v4.1: 6 of 1,199,182 alleles (0.0005%); highest among the groups gnomAD compares: Non-Finnish European, 0.00045%; no homozygotes.

Submission:

CeGaT Center for Human Genetics Tuebingen
Classification: Likely benign. Last evaluated: 2024-01-01. Review status: criteria provided, single submitter. Criteria: CeGaT Center For Human Genetics Tuebingen Variant Classification Criteria Version 2. Collection method: clinical testing. Allele origin: germline. Affected: yes. Observed: 2 variant alleles.
Comment: HUWE1: BP4, BS2

NM_031407.7(HUWE1):c.9488+8T>C

Gene: HUWE1 (HECT, UBA and WWE domain containing E3 ubiquitin protein ligase 1; minus strand). Cytogenetic location: Xp11.22.
Variant type: single nucleotide variant.
Coding change: c.9488+8T>C on transcript NM_031407.7 (MANE Select); 8 bases into the intron after coding-DNA position 9488, T replaced by C.
Molecular consequence: intron variant.
Genome position (GRCh38, 1-based): chrX:53,550,658, A>G on the plus strand (T>C on the coding strand, the complement: HUWE1 is on the minus strand). VCF-style: chrX-53550658-A-G. GRCh37 (hg19) VCF-style: chrX-53577619-A-G.
Identifiers: ClinVar variation 2660617 (VCV002660617.24), dbSNP rs782146893, ClinGen allele CA10421661.